The following is an entry in ClinVar:

ClinVar aggregate classification (germline): Conflicting classifications of pathogenicity. Review status: criteria provided, conflicting classifications (1 of 4 stars). 4 submissions from 4 submitters: Pathogenic (1); Likely pathogenic (1); Uncertain significance (2). Last evaluated 2025-08-12.

Conditions:
Cardiovascular phenotype. Identifiers: MedGen CN230736.
Amyloidosis, hereditary systemic 1 (AMYLD1). Also called: Hereditary oculoleptomeningeal amyloid angiopathy; Familial Transthyretin Amyloidosis; AMYLOID CARDIOMYOPATHY; Isolated Cardiac Amyloidosis; Amyloid Cardiomyopathy, Transthyretin-related; Familial amyloid polyneuropathy. Identifiers: Orphanet 85447, Orphanet 85451, MedGen C2751492, MONDO:0971004, OMIM 105210.

Allele frequency attached by ClinVar (database versions not stated): gnomAD exomes below 0.00001.
gnomAD v4.1: 1 of 1,614,112 alleles (0.000062%); highest among the groups gnomAD compares: African/African-American, 0.0013%; no homozygotes.

Submissions (4):

Ambry Genetics
Classification: Likely pathogenic for Cardiovascular phenotype. Last evaluated: 2025-08-12. Review status: criteria provided, single submitter. Criteria: Ambry Variant Classification Scheme 2023. Collection method: clinical testing. Allele origin: germline.
Comment: The p.A140S variant (also known as c.418G>T and p.A120S), located in coding exon 4 of the TTR gene, results from a G to T substitution at nucleotide position 418. The alanine at codon 140 is replaced by serine, an amino acid with similar properties. This variant (also referred to as p.A120S) has been reported in individuals with features consistent with transthyretin (TTR) amyloidosis (G&uuml;rsoy AE et al. Neurol India;66:238-241; Patel K et al. Amyloid, 2018 09;25:211-212; Iorio A et al. Eur J Hum Genet, 2017 09;25:1055-1060; Shibata Y et al. Amyloid, 2017 03;24:66-67; Luigetti M et al. Neurol Sci, 2013 Jul;34:1057-63; Lachmann HJ et al. N Engl J Med, 2002 Jun;346:1786-91; Adams D et al. Neurology, 2015 Aug;85:675-82; Ambry internal data). This amino acid position is highly conserved in available vertebrate species. In addition, this alteration is predicted to be deleterious by in silico analysis. This variant is considered to be rare based on population cohorts in the Genome Aggregation Database (gnomAD). Based on the majority of available evidence to date, this variant is likely to be pathogenic.

Labcorp Genetics (formerly Invitae), Labcorp
Classification: Pathogenic for Amyloidosis, hereditary systemic 1. Last evaluated: 2025-03-05. Review status: criteria provided, single submitter. Criteria: Invitae Variant Classification Sherloc (09022015). Collection method: clinical testing. Allele origin: germline.
Comment: This sequence change replaces alanine, which is neutral and non-polar, with serine, which is neutral and polar, at codon 140 of the TTR protein (p.Ala140Ser). This variant is not present in population databases (gnomAD no frequency). This missense change has been observed in individuals with familial transthyretin amyloidosis (PMID: 12050338, 22592564, 26208957, 28635949). This variant is also known as p.Ala120Ser. ClinVar contains an entry for this variant (Variation ID: 229597). Invitae Evidence Modeling of protein sequence and biophysical properties (such as structural, functional, and spatial information, amino acid conservation, physicochemical variation, residue mobility, and thermodynamic stability) indicates that this missense variant is expected to disrupt TTR protein function with a positive predictive value of 95%. This variant disrupts the p.Ala140 amino acid residue in TTR. Other variant(s) that disrupt this residue have been observed in individuals with TTR-related conditions (PMID: 12050338, 22209138, 26208957, 28635949), which suggests that this may be a clinically significant amino acid residue. For these reasons, this variant has been classified as Pathogenic.

Women's Health and Genetics/Laboratory Corporation of America, LabCorp
Classification: Uncertain significance. Last evaluated: 2017-03-23. Review status: criteria provided, single submitter. Criteria: LabCorp Variant Classification Summary - May 2015. Collection method: clinical testing. Allele origin: germline.
Comment: Variant summary: The TTR c.418G>T (p.Ala140Ser) variant located in the beta strand 11 (via Polimanti_2014) involves the alteration of a conserved nucleotide and 3/4 in silico tools (SNPs&GO not captured due to low reliability index) predict a damaging outcome, although these predictions have yet to be functionally assessed. This variant is absent in 121370 control chromosomes (ExAC). Multiple publications have cited the variant, however, due to geographical/site overlap, it seems as though the same two affected patients are being cited, therefore, there is limited available clinical studies. In addition, multiple clinical diagnostic laboratories/reputable databases classified this variant as uncertain significance. Until functional data and additional clinical data become available, this variant is classified as a "Variant of Uncertain Significance - Possibly Pathogenic."

Laboratory for Molecular Medicine, Mass General Brigham Personalized Medicine
Classification: Uncertain significance. Last evaluated: 2016-03-17. Review status: criteria provided, single submitter. Criteria: LMM Criteria. Collection method: clinical testing. Allele origin: germline. Observed: 1 variant allele.
Comment: Variant classified as Uncertain Significance - Favor Pathogenic. The p.Ala140Ser (also reported as p.Ala120Ser) variant in TTR has been reported in 2 individual s with clinical features of familial transthyretin amyloidosis (Lachmann 2002, C onnors 2003, Luigetti 2013) and was absent from large population studies. Comput ational prediction tools and conservation analysis suggest that the p.Ala140Ser variant may impact the protein, though this information is not predictive enough to determine pathogenicity. In summary, while there is some suspicion for a pat hogenic role, the clinical significance of the clinical significance of the p.Al a140Ser variant is uncertain.

Literature cited by the submitters: PubMed 12050338 (cited by 4 submitters); PubMed 22592564 (cited by 4 submitters); PubMed 26208957 (cited by 3 submitters); PubMed 28393577 (cited by Ambry Genetics); PubMed 28635949 (cited by Ambry Genetics and Labcorp Genetics (formerly Invitae), Labcorp); PubMed 29322995 (cited by Ambry Genetics); PubMed 30039724 (cited by Ambry Genetics); PubMed 22209138 (cited by Labcorp Genetics (formerly Invitae), Labcorp and Laboratory for Molecular Medicine, Mass General Brigham Personalized Medicine); PubMed 15123043 (cited by Women's Health and Genetics/Laboratory Corporation of America, LabCorp); PubMed 14640030 (cited by Women's Health and Genetics/Laboratory Corporation of America, LabCorp and Laboratory for Molecular Medicine, Mass General Brigham Personalized Medicine); PubMed 16448460 (cited by Women's Health and Genetics/Laboratory Corporation of America, LabCorp); PubMed 24779883 (cited by Women's Health and Genetics/Laboratory Corporation of America, LabCorp); PubMed 24073013 (cited by Women's Health and Genetics/Laboratory Corporation of America, LabCorp); PubMed 25412400 (cited by Women's Health and Genetics/Laboratory Corporation of America, LabCorp); PubMed 11385707 (cited by Laboratory for Molecular Medicine, Mass General Brigham Personalized Medicine).

NM_000371.4(TTR):c.418G>T (p.Ala140Ser)

Gene: TTR (transthyretin; plus strand). Cytogenetic location: 18q12.1.
Variant type: single nucleotide variant.
Coding change: c.418G>T on transcript NM_000371.4 (MANE Select); coding-DNA position 418, G replaced by T.
Protein change: p.Ala140Ser; replaces alanine 140 with serine.
Molecular consequence: missense variant.
Genome position (GRCh38, 1-based): chr18:31,598,649, G>T. VCF-style: chr18-31598649-G-T. GRCh37 (hg19) VCF-style: chr18-29178612-G-T.
Other names: short protein forms A140S.
Identifiers: ClinVar variation 229597 (VCV000229597.17), dbSNP rs876658108, ClinGen allele CA10577055.